The following is an entry in ClinVar:

ClinVar aggregate classification (germline): Uncertain significance (1 of 4 stars; one submission).

Conditions:
Parkinson disease 17 (PARK17). Also called: VPS35-Related Parkinson Disease. Identifiers: Orphanet 411602, MedGen C3280133, MONDO:0013625, OMIM 614203.

Allele frequency attached by ClinVar (database versions not stated): gnomAD 0.00002; ExAC 0.00004; TOPMed 0.00004; ESP Exome Variant Server 0.00008.
gnomAD v4.1: 149 of 1,613,826 alleles (0.0092%); highest among the groups gnomAD compares: Non-Finnish European, 0.012%; no homozygotes.

Submission:

Labcorp Genetics (formerly Invitae), Labcorp
Classification: Uncertain significance for Parkinson disease 17. Last evaluated: 2022-10-27. Review status: criteria provided, single submitter. Criteria: Invitae Variant Classification Sherloc (09022015). Collection method: clinical testing. Allele origin: germline.
Comment: This sequence change replaces valine, which is neutral and non-polar, with alanine, which is neutral and non-polar, at codon 476 of the VPS35 protein (p.Val476Ala). This variant is present in population databases (rs373113084, gnomAD 0.008%). This variant has not been reported in the literature in individuals affected with VPS35-related conditions. Advanced modeling of protein sequence and biophysical properties (such as structural, functional, and spatial information, amino acid conservation, physicochemical variation, residue mobility, and thermodynamic stability) performed at Invitae indicates that this missense variant is not expected to disrupt VPS35 protein function. In summary, the available evidence is currently insufficient to determine the role of this variant in disease. Therefore, it has been classified as a Variant of Uncertain Significance.

NM_018206.6(VPS35):c.1427T>C (p.Val476Ala)

Gene: VPS35 (VPS35 retromer complex component; minus strand). Cytogenetic location: 16q11.2.
Variant type: single nucleotide variant.
Coding change: c.1427T>C on transcript NM_018206.6 (MANE Select); coding-DNA position 1427, T replaced by C.
Protein change: p.Val476Ala; replaces valine 476 with alanine.
Molecular consequence: missense variant.
Genome position (GRCh38, 1-based): chr16:46,671,802, A>G on the plus strand (T>C on the coding strand, the complement: VPS35 is on the minus strand). VCF-style: chr16-46671802-A-G. GRCh37 (hg19) VCF-style: chr16-46705714-A-G.
Other names: short protein forms V476A.
Identifiers: ClinVar variation 2047006 (VCV002047006.4), dbSNP rs373113084, ClinGen allele CA8036803.
Genomic context (GRCh38, chr16:46,671,802, plus strand): 5'-TGAATGAAGCGGCCCACAAGGCTCTGCTCATCAGCAAAATCTTCTGGATCAGGGTCTTCT[A>G]CAGGTTGATCTGGCTGATCTTGAATCAACGTGGATACCAAATTCATTATGGAATCCACCT-3'
Protein context (NP_060676.2, residues 466-486): TLIQDQPDQP[Val476Ala]EDPDPEDFAD